The following is an entry in ClinVar:

NM_015602.4(TOR1AIP1):c.1723A>G (p.Asn575Asp)

Gene: TOR1AIP1 (torsin 1A interacting protein 1; plus strand). Cytogenetic location: 1q25.2.
Variant type: single nucleotide variant.
Coding change: c.1723A>G on transcript NM_015602.4 (MANE Select); coding-DNA position 1723, A replaced by G.
Protein change: p.Asn575Asp; replaces asparagine 575 with aspartic acid.
Molecular consequence: missense variant.
Genome position (GRCh38, 1-based): chr1:179,918,210, A>G. VCF-style: chr1-179918210-A-G. GRCh37 (hg19) VCF-style: chr1-179887345-A-G.
Other names: c.1726A>G, p.Asn576Asp (NM_001267578.2); short protein forms N575D, N576D.
Identifiers: ClinVar variation 3769733 (VCV003769733.1).

ClinVar aggregate classification (germline): Uncertain significance (1 of 4 stars; one submission).

gnomAD v4.1: 1 of 1,603,940 alleles (0.000062%); highest among the groups gnomAD compares: Admixed American, 0.0017%; no homozygotes.

Submission:

GeneDx
Classification: Uncertain significance. Last evaluated: 2024-09-17. Review status: criteria provided, single submitter. Criteria: GeneDx Variant Classification Process June 2021. Collection method: clinical testing. Allele origin: germline. Affected: yes.
Comment: Not observed at significant frequency in large population cohorts (gnomAD); In silico analysis supports that this missense variant has a deleterious effect on protein structure/function; Has not been previously published as pathogenic or benign to our knowledge